The following is an entry in ClinVar:

ClinVar aggregate classification (germline): Likely pathogenic (1 of 4 stars; one submission).

Conditions:
Ehlers-Danlos syndrome, type 4 (EDSVASC). Also called: Ehlers-Danlos syndrome vascular type; Ehlers Danlos syndrome, ecchymotic type; Ehlers Danlos syndrome, arterial type; Ehlers Danlos syndrome, Sack-Barabas type; Ehlers-Danlos Syndrome Type IV. Identifiers: Orphanet 286, MedGen C0268338, MONDO:0017314, OMIM 130050.

Submission:

Labcorp Genetics (formerly Invitae), Labcorp
Classification: Likely pathogenic for Ehlers-Danlos syndrome, type 4. Last evaluated: 2023-04-15. Review status: criteria provided, single submitter. Criteria: Invitae Variant Classification Sherloc (09022015). Collection method: clinical testing. Allele origin: germline.
Comment: This variant is not present in population databases (gnomAD no frequency). This sequence change replaces glycine, which is neutral and non-polar, with aspartic acid, which is acidic and polar, at codon 1113 of the COL3A1 protein (p.Gly1113Asp). This variant has not been reported in the literature in individuals affected with COL3A1-related conditions. In summary, the currently available evidence indicates that the variant is pathogenic, but additional data are needed to prove that conclusively. Therefore, this variant has been classified as Likely Pathogenic. This variant disrupts the triple helix domain of COL3A1. Glycine residues within the Gly-Xaa-Yaa repeats of the triple helix domain are required for the structure and stability of fibrillar collagens (PMID: 7695699, 8218237, 19344236). In COL3A1, variants that affect these glycine residues are significantly enriched in individuals with disease (PMID: 24922459, 25758994) compared to the general population (ExAC). Advanced modeling of protein sequence and biophysical properties (such as structural, functional, and spatial information, amino acid conservation, physicochemical variation, residue mobility, and thermodynamic stability) performed at Invitae indicates that this missense variant is expected to disrupt COL3A1 protein function.

Literature cited by the submitters: PubMed 7695699; PubMed 8218237; PubMed 19344236; PubMed 24922459; PubMed 25758994.

NM_000090.4(COL3A1):c.3338G>A (p.Gly1113Asp)

Gene: COL3A1 (collagen type III alpha 1 chain; plus strand). Cytogenetic location: 2q32.2.
Variant type: single nucleotide variant.
Coding change: c.3338G>A on transcript NM_000090.4 (MANE Select); coding-DNA position 3338, G replaced by A.
Protein change: p.Gly1113Asp; replaces glycine 1113 with aspartic acid.
Molecular consequence: missense variant.
Genome position (GRCh38, 1-based): chr2:189,007,582, G>A. VCF-style: chr2-189007582-G-A. GRCh37 (hg19) VCF-style: chr2-189872308-G-A.
Other names: short protein forms G1113D.
Identifiers: ClinVar variation 2856353 (VCV002856353.3), dbSNP rs2469161837, ClinGen allele CA349845867.